The following is an entry in ClinVar:

NM_000038.6(APC):c.8050G>C (p.Asp2684His)

Gene: APC (APC regulator of Wnt signaling pathway; plus strand). Cytogenetic location: 5q22.2.
Variant type: single nucleotide variant.
Coding change: c.8050G>C on transcript NM_000038.6 (MANE Select); coding-DNA position 8050, G replaced by C.
Protein change: p.Asp2684His; replaces aspartic acid 2684 with histidine.
Molecular consequence: missense variant.
Genome position (GRCh38, 1-based): chr5:112,843,644, G>C. VCF-style: chr5-112843644-G-C. GRCh37 (hg19) VCF-style: chr5-112179341-G-C.
Other names: c.8050G>C, p.Asp2684His (NM_001127510.3, NM_001354895.2); c.7996G>C, p.Asp2666His (NM_001127511.3); c.8104G>C, p.Asp2702His (NM_001354896.2); c.8080G>C, p.Asp2694His (NM_001354897.2); c.7975G>C, p.Asp2659His (NM_001354898.2); c.7966G>C, p.Asp2656His (NM_001354899.2); c.7927G>C, p.Asp2643His (NM_001354900.2); c.7873G>C, p.Asp2625His (NM_001354901.2); and 5 more; short protein forms D2684H, D2666H, D2524H, D2583H, D2694H, D2593H, D2625H, D2656H.
Identifiers: ClinVar variation 584482 (VCV000584482.6), dbSNP rs1561620240, ClinGen allele CA16038808.
Genomic context (GRCh38, chr5:112,843,644, plus strand): 5'-TGTCCCATTAACAATCCTAGATCTGGAAGATCTCCCACAGGTAATACTCCCCCGGTGATT[G>C]ACAGTGTTTCAGAAAAGGCAAATCCAAACATTAAAGATTCAAAAGATAATCAGGCAAAAC-3'
Protein context (NP_000029.2, residues 2674-2694): SPTGNTPPVI[Asp2684His]SVSEKANPNI

ClinVar aggregate classification (germline): Uncertain significance. Review status: criteria provided, multiple submitters, no conflicts (2 of 4 stars). 4 submissions from 4 submitters: Uncertain significance (4). Last evaluated 2024-01-24.

Conditions:
Familial adenomatous polyposis 1 (FAP1). Also called: FAMILIAL ADENOMATOUS POLYPOSIS 1, ATTENUATED; POLYPOSIS, ADENOMATOUS INTESTINAL. Identifiers: MedGen C2713442, MONDO:0021056, OMIM 175100. Disease mechanism: loss of function.
Hereditary cancer-predisposing syndrome. Also called: Neoplastic Syndromes, Hereditary; Hereditary Cancer Syndrome; Tumor predisposition; Hereditary neoplastic syndrome. Identifiers: Orphanet 140162, MedGen C0027672, MeSH D009386, MONDO:0015356.

Submissions (4):

Molecular Pathology, Peter Maccallum Cancer Centre
Classification: Uncertain significance for Familial adenomatous polyposis 1. Last evaluated: 2024-01-24. Review status: criteria provided, single submitter. Criteria: ACMG Guidelines, 2015. Collection method: clinical testing. Allele origin: germline. Inheritance: Autosomal dominant inheritance.

Ambry Genetics
Classification: Uncertain significance for Hereditary cancer-predisposing syndrome. Last evaluated: 2023-06-02. Review status: criteria provided, single submitter. Criteria: Ambry Variant Classification Scheme 2023. Collection method: clinical testing. Allele origin: germline.
Comment: The p.D2684H variant (also known as c.8050G>C), located in coding exon 15 of the APC gene, results from a G to C substitution at nucleotide position 8050. The aspartic acid at codon 2684 is replaced by histidine, an amino acid with similar properties. This amino acid position is highly conserved in available vertebrate species. In addition, in silico predictors for this gene do not accurately predict pathogenicity. Since supporting evidence is limited at this time, the clinical significance of this alteration remains unclear.

Color Diagnostics, LLC DBA Color Health
Classification: Uncertain significance for Hereditary cancer-predisposing syndrome. Last evaluated: 2022-12-21. Review status: criteria provided, single submitter. Criteria: ACMG Guidelines, 2015. Collection method: clinical testing. Allele origin: germline.
Comment: This missense variant replaces aspartic acid with histidine at codon 2684 of the APC protein. Computational prediction is inconclusive regarding the impact of this variant on protein structure and function (internally defined REVEL score threshold 0.5 < inconclusive < 0.7, PMID: 27666373). To our knowledge, functional studies have not been reported for this variant. This variant has not been reported in individuals affected with APC-related disorders in the literature. This variant has not been identified in the general population by the Genome Aggregation Database (gnomAD). The available evidence is insufficient to determine the role of this variant in disease conclusively. Therefore, this variant is classified as a Variant of Uncertain Significance.

GeneKor MSA
Classification: Uncertain significance for Hereditary cancer-predisposing syndrome. Last evaluated: 2018-08-01. Review status: criteria provided, single submitter. Criteria: ACMG Guidelines, 2015. Collection method: clinical testing. Allele origin: germline. Affected: yes.